The following is an entry in ClinVar:

ClinVar aggregate classification (germline): Benign. Review status: criteria provided, multiple submitters, no conflicts (2 of 4 stars). 2 submissions from 2 submitters: Benign (2). Last evaluated 2018-01-13.

Conditions:
Retinitis pigmentosa (RP). Identifiers: Orphanet 791, MedGen C0035334, MeSH D012174, MONDO:0019200, OMIM 268000. Inheritance: Autosomal dominant, autosomal recessive and X linked inheritance.

Allele frequency attached by ClinVar (database versions not stated): 1000 Genomes Project 30x 0.92005; 1000 Genomes Project 0.92153; TOPMed 0.92684; gnomAD 0.93001 and 0.93457; gnomAD exomes 1.00000.

Submissions (2):

Illumina Laboratory Services, Illumina
Classification: Benign for Retinitis pigmentosa. Last evaluated: 2018-01-13. Review status: criteria provided, single submitter. Criteria: ICSL Variant Classification Criteria 13 December 2019. Collection method: clinical testing. Allele origin: germline.
Comment: This variant was observed in the ICSL laboratory as part of a predisposition screen in an ostensibly healthy population. It had not been previously curated by ICSL or reported in the Human Gene Mutation Database (HGMD: prior to June 1st, 2018), and was therefore a candidate for classification through an automated scoring system. Utilizing variant allele frequency, disease prevalence and penetrance estimates, and inheritance mode, an automated score was calculated to assess if this variant is too frequent to cause the disease. Based on the score and internal cut-off values, a variant classified as benign is not then subjected to further curation. The score for this variant resulted in a classification of benign for this disease.

Breakthrough Genomics
Classification: Benign. Review status: criteria provided, single submitter. Criteria: ACMG Guidelines, 2015. Collection method: not provided. Allele origin: germline. Inheritance: Unknown mechanism. Affected: yes.

NM_001029883.3(PCARE):c.*2929T>C

Gene: PCARE (photoreceptor cilium actin regulator; minus strand). Cytogenetic location: 2p23.2.
Variant type: single nucleotide variant.
Coding change: c.*2929T>C on transcript NM_001029883.3 (MANE Select); 2929 bases downstream of the stop codon, T replaced by C.
Molecular consequence: 3 prime UTR variant.
Genome position (GRCh38, 1-based): chr2:29,061,940, A>G on the plus strand (T>C on the coding strand, the complement: PCARE is on the minus strand). VCF-style: chr2-29061940-A-G. GRCh37 (hg19) VCF-style: chr2-29284806-A-G.
Identifiers: ClinVar variation 335573 (VCV000335573.6), dbSNP rs11683284, ClinGen allele CA10613546.